The following is an entry in ClinVar:

NM_006397.3(RNASEH2A):c.217G>A (p.Glu73Lys)

Gene: RNASEH2A (ribonuclease H2 subunit A; plus strand). Cytogenetic location: 19p13.13.
Variant type: single nucleotide variant.
Coding change: c.217G>A on transcript NM_006397.3 (MANE Select); coding-DNA position 217, G replaced by A.
Protein change: p.Glu73Lys; replaces glutamic acid 73 with lysine.
Molecular consequence: missense variant.
Genome position (GRCh38, 1-based): chr19:12,807,223, G>A. VCF-style: chr19-12807223-G-A. GRCh37 (hg19) VCF-style: chr19-12918037-G-A.
Other names: short protein forms E73K.
Identifiers: ClinVar variation 2061119 (VCV002061119.4), dbSNP rs2512890088, ClinGen allele CA404264679.

ClinVar aggregate classification (germline): Uncertain significance (1 of 4 stars; one submission).

Conditions:
Aicardi-Goutieres syndrome 4. Identifiers: Orphanet 51, MedGen C1835912, MONDO:0012472, OMIM 610333.

Submission:

Labcorp Genetics (formerly Invitae), Labcorp
Classification: Uncertain significance for Aicardi-Goutieres syndrome 4. Last evaluated: 2022-02-08. Review status: criteria provided, single submitter. Criteria: Invitae Variant Classification Sherloc (09022015). Collection method: clinical testing. Allele origin: germline.
Comment: This sequence change replaces glutamic acid, which is acidic and polar, with lysine, which is basic and polar, at codon 73 of the RNASEH2A protein (p.Glu73Lys). This variant is not present in population databases (gnomAD no frequency). This variant has not been reported in the literature in individuals affected with RNASEH2A-related conditions. Algorithms developed to predict the effect of missense changes on protein structure and function are either unavailable or do not agree on the potential impact of this missense change (SIFT: "Deleterious"; PolyPhen-2: "Probably Damaging"; Align-GVGD: "Class C15"). In summary, the available evidence is currently insufficient to determine the role of this variant in disease. Therefore, it has been classified as a Variant of Uncertain Significance.